The following is an entry in ClinVar:

NM_000152.5(GAA):c.396C>G (p.Ser132Arg)

Gene: GAA (alpha glucosidase; plus strand). Cytogenetic location: 17q25.3.
Variant type: single nucleotide variant.
Coding change: c.396C>G on transcript NM_000152.5 (MANE Select); coding-DNA position 396, C replaced by G.
Protein change: p.Ser132Arg; replaces serine 132 with arginine.
Molecular consequence: missense variant.
Genome position (GRCh38, 1-based): chr17:80,104,982, C>G. VCF-style: chr17-80104982-C-G. GRCh37 (hg19) VCF-style: chr17-78078781-C-G.
Other names: c.396C>G, p.Ser132Arg (NM_001079803.3, NM_001079804.3); short protein forms S132R.
Identifiers: ClinVar variation 1518134 (VCV001518134.5), dbSNP rs2143828304, ClinGen allele CA401361041.
Genomic context (GRCh38, chr17:80,104,982, plus strand): 5'-TGCAAAGCAGGGGCTGCAGGGAGCCCAGATGGGGCAGCCCTGGTGCTTCTTCCCACCCAG[C>G]TACCCCAGCTACAAGCTGGAGAACCTGAGCTCCTCTGAAATGGGCTACACGGCCACCCTG-3'
Protein context (NP_000143.2, residues 122-142): MGQPWCFFPP[Ser132Arg]YPSYKLENLS

ClinVar aggregate classification (germline): Uncertain significance (1 of 4 stars; one submission).

Conditions:
Glycogen storage disease, type II (IOPD). Also called: GLYCOGENOSIS, GENERALIZED, CARDIAC FORM; GSD II; Glycogen storage disease type 2; Acid maltase deficiency disease; Aglucosidase alfa; Deficiency of alpha-glucosidase. Identifiers: Orphanet 365, MedGen C0017921, MONDO:0009290, OMIM 232300.

Submission:

Labcorp Genetics (formerly Invitae), Labcorp
Classification: Uncertain significance for Glycogen storage disease, type II. Last evaluated: 2021-09-01. Review status: criteria provided, single submitter. Criteria: Invitae Variant Classification Sherloc (09022015). Collection method: clinical testing. Allele origin: germline.
Comment: This sequence change replaces serine with arginine at codon 132 of the GAA protein (p.Ser132Arg). The serine residue is highly conserved and there is a moderate physicochemical difference between serine and arginine. This variant is not present in population databases (ExAC no frequency). This variant has not been reported in the literature in individuals affected with GAA-related conditions. Advanced modeling of protein sequence and biophysical properties (such as structural, functional, and spatial information, amino acid conservation, physicochemical variation, residue mobility, and thermodynamic stability) performed at Invitae indicates that this missense variant is not expected to disrupt GAA protein function. Algorithms developed to predict the effect of sequence changes on RNA splicing suggest that this variant may create or strengthen a splice site. In summary, the available evidence is currently insufficient to determine the role of this variant in disease. Therefore, it has been classified as a Variant of Uncertain Significance.